The following is an entry in ClinVar:

NM_020376.4(PNPLA2):c.1122C>T (p.Cys374=)

Gene: PNPLA2 (patatin like domain 2, triacylglycerol lipase; plus strand). Cytogenetic location: 11p15.5.
Variant type: single nucleotide variant.
Coding change: c.1122C>T on transcript NM_020376.4 (MANE Select); coding-DNA position 1122, C replaced by T.
Protein change: p.Cys374=; no amino-acid change (cysteine 374 retained).
Molecular consequence: synonymous variant.
Genome position (GRCh38, 1-based): chr11:824,383, C>T. VCF-style: chr11-824383-C-T. GRCh37 (hg19) VCF-style: chr11-824383-C-T.
Other names: p.Cys374=.
Identifiers: ClinVar variation 2099041 (VCV002099041.6), dbSNP rs927534996, ClinGen allele CA216971847.

ClinVar aggregate classification (germline): Likely benign. Review status: criteria provided, multiple submitters, no conflicts (2 of 4 stars). 3 submissions from 3 submitters: Likely benign (3). Last evaluated 2025-09-11.

Conditions:
Neutral lipid storage myopathy (NLSDM). Also called: NEUTRAL LIPID STORAGE DISEASE WITHOUT ICHTHYOSIS. Identifiers: Orphanet 98908, MedGen C1853136, MONDO:0012545, OMIM 610717.

Allele frequency attached by ClinVar (database versions not stated): gnomAD 0.00001; gnomAD exomes 0.00001.
gnomAD v4.1: 10 of 1,552,542 alleles (0.00064%); highest among the groups gnomAD compares: Non-Finnish European, 0.00087%; no homozygotes.

Submissions (3):

Mayo Clinic Laboratories, Mayo Clinic
Classification: Likely benign. Last evaluated: 2025-09-11. Review status: criteria provided, single submitter. Criteria: ACMG Guidelines, 2015. Collection method: clinical testing. Allele origin: germline. Observed: 1 variant allele.
Comment: BP4, BP7

Blueprint Genetics
Classification: Likely benign. Last evaluated: 2024-03-28. Review status: criteria provided, single submitter. Criteria: ACMG Guidelines, 2015. Collection method: clinical testing. Allele origin: germline.

Labcorp Genetics (formerly Invitae), Labcorp
Classification: Likely benign for Neutral lipid storage myopathy. Last evaluated: 2022-03-19. Review status: criteria provided, single submitter. Criteria: Invitae Variant Classification Sherloc (09022015). Collection method: clinical testing. Allele origin: germline.